The following is an entry in ClinVar:

ClinVar aggregate classification (germline): Benign. Review status: criteria provided, multiple submitters, no conflicts (2 of 4 stars). 2 submissions from 2 submitters: Benign (2). Last evaluated 2018-06-19.

Allele frequency attached by ClinVar (database versions not stated): 1000 Genomes Project 0.09105; 1000 Genomes Project 30x 0.09338; gnomAD exomes 0.10404; gnomAD 0.10707 and 0.10978; TOPMed 0.11311.
gnomAD v4.1: 89,493 of 852,966 alleles (10%); highest among the groups gnomAD compares: African/African-American, 13%; 5,325 homozygotes.

Submissions (2):

GeneDx
Classification: Benign. Last evaluated: 2018-06-19. Review status: criteria provided, single submitter. Criteria: GeneDx Variant Classification (06012015). Collection method: clinical testing. Allele origin: germline. Affected: yes.
Comment: This variant is considered likely benign or benign based on one or more of the following criteria: it is a conservative change, it occurs at a poorly conserved position in the protein, it is predicted to be benign by multiple in silico algorithms, and/or has population frequency not consistent with disease.

Breakthrough Genomics
Classification: Benign. Review status: criteria provided, single submitter. Criteria: ACMG Guidelines, 2015. Collection method: not provided. Allele origin: germline. Inheritance: Autosomal dominant inheritance. Affected: yes.

NM_001083962.2(TCF4):c.1486+172T>C

Gene: TCF4 (transcription factor 4; minus strand). Cytogenetic location: 18q21.2.
Variant type: single nucleotide variant.
Coding change: c.1486+172T>C on transcript NM_001083962.2 (MANE Select); 172 bases into the intron after coding-DNA position 1486, T replaced by C.
Molecular consequence: intron variant.
Genome position (GRCh38, 1-based): chr18:55,234,376, A>G on the plus strand (T>C on the coding strand, the complement: TCF4 is on the minus strand). VCF-style: chr18-55234376-A-G. GRCh37 (hg19) VCF-style: chr18-52901607-A-G.
Other names: c.1792+172T>C (NM_001243226.3); c.1411+172T>C (NM_001369584.1, NM_001369576.1, NM_001369577.1 and 6 more transcripts); c.1414+172T>C (NM_001369582.1, NM_001243227.2, NM_001369583.1 and 5 more transcripts); c.1417+172T>C (NM_001369586.1); c.1486+172T>C (NM_001369571.1, NM_001369567.1, NM_001369572.1 and 2 more transcripts); c.1504+172T>C (NM_001243228.2); c.1477+172T>C (NM_001243230.2); c.1483+172T>C (NM_001369569.1, NM_001369573.1, NM_001369570.1 and 2 more transcripts); and 6 more.
Identifiers: ClinVar variation 672226 (VCV000672226.2), dbSNP rs41483647, ClinGen allele CA14562072.
Genomic context (GRCh38, chr18:55,234,376, plus strand): 5'-TGCTGATATAGGACCAGGATTTCAGAGGATGTTTGAGGAAAACAGTCCCTGGAGAAACAC[A>G]ATTAGCGGGCGAAGTTCTAAATACTTTGCCATTTCCTTACCATTTTTGTGCCCAATTTGA-3'